The following is an entry in ClinVar:

NM_001042492.3(NF1):c.5364del (p.Ile1788fs)

Gene: NF1 (neurofibromin 1; plus strand). Cytogenetic location: 17q11.2.
Variant type: Deletion.
Coding change: c.5364del on transcript NM_001042492.3 (MANE Select); coding-DNA position 5364, one base deleted (T; older notation c.5364delT).
Protein change: p.Ile1788fs; shifts the reading frame from isoleucine 1788.
Molecular consequence: frameshift variant.
Genome position (GRCh38, 1-based): chr17:31,327,594, T deleted; the last of 2 consecutive T bases (chr17:31,327,593-31,327,594); deleting either gives the same sequence. VCF-style (leftmost placement, unchanged base first): chr17-31327592-AT-A. GRCh37 (hg19) VCF-style: chr17-29654610-AT-A.
Other names: c.5301delT (NM_000267.3); c.5301delT, p.Ile1767Metfs (NM_000267.4); short protein forms I1767fs, I1788fs.
Identifiers: ClinVar variation 825627 (VCV000825627.3), dbSNP rs1597831986, ClinGen allele CA915949821.

ClinVar aggregate classification (germline): Pathogenic (1 of 4 stars; one submission).

Conditions:
Hereditary cancer-predisposing syndrome. Also called: Neoplastic Syndromes, Hereditary; Tumor predisposition; Hereditary neoplastic syndrome; Hereditary Cancer Syndrome. Identifiers: Orphanet 140162, MedGen C0027672, MeSH D009386, MONDO:0015356.
Cardiovascular phenotype. Identifiers: MedGen CN230736.

Submission:

Ambry Genetics
Classification: Pathogenic for Cardiovascular phenotype; Hereditary cancer-predisposing syndrome. Last evaluated: 2019-05-23. Review status: criteria provided, single submitter. Criteria: Ambry General Variant Classification Scheme_2022. Collection method: clinical testing. Allele origin: germline. Observed: 1 variant allele.
Comment: The c.5301delT variant, located in coding exon 37 of the NF1 gene, results from a deletion of one nucleotide at nucleotide position 5301, causing a translational frameshift with a predicted alternate stop codon (p.I1767Mfs*6). This alteration is expected to result in loss of function by premature protein truncation or nonsense-mediated mRNA decay. As such, this alteration is interpreted as a disease-causing mutation.